The following is an entry in ClinVar:

ClinVar aggregate classification (germline): Uncertain significance (1 of 4 stars; one submission).

Conditions:
Cardiovascular phenotype. Identifiers: MedGen CN230736.
Hereditary cancer-predisposing syndrome. Also called: Neoplastic Syndromes, Hereditary; Tumor predisposition; Hereditary Cancer Syndrome; Hereditary neoplastic syndrome. Identifiers: Orphanet 140162, MedGen C0027672, MeSH D009386, MONDO:0015356.

Submission:

Ambry Genetics
Classification: Uncertain significance for Cardiovascular phenotype; Hereditary cancer-predisposing syndrome. Last evaluated: 2026-05-27. Review status: criteria provided, single submitter. Criteria: Ambry Variant Classification Scheme 2023. Collection method: clinical testing. Allele origin: germline.
Comment: The p.L276F variant (also known as c.828G>C), located in coding exon 8 of the NF1 gene, results from a G to C substitution at nucleotide position 828. The leucine at codon 276 is replaced by phenylalanine, an amino acid with highly similar properties. This amino acid position is conserved. In addition, this alteration is predicted to be deleterious by in silico analysis. Based on the available evidence, the clinical significance of this variant remains unclear.

NM_001042492.3(NF1):c.828G>C (p.Leu276Phe)

Gene: NF1 (neurofibromin 1; plus strand). Cytogenetic location: 17q11.2.
Variant type: single nucleotide variant.
Coding change: c.828G>C on transcript NM_001042492.3 (MANE Select); coding-DNA position 828, G replaced by C.
Protein change: p.Leu276Phe; replaces leucine 276 with phenylalanine.
Molecular consequence: missense variant.
Genome position (GRCh38, 1-based): chr17:31,182,605, G>C. VCF-style: chr17-31182605-G-C. GRCh37 (hg19) VCF-style: chr17-29509623-G-C.
Other names: c.828G>C, p.Leu276Phe (NM_000267.4, NM_001128147.3); short protein forms L276F.
Identifiers: ClinVar variation 4860978 (VCV004860978.1).
Genomic context (GRCh38, chr17:31,182,605, plus strand): 5'-TGCTGAAAGCACCAAACGTAAAGCAGCAGTTTGGCCACTACAAATCATTCTCCTTATCTT[G>C]TGTCCAGAAATAATCCAGGATATATCCAAAGACGTGGTTGATGAAAACAACATGAATAAG-3'
Protein context (NP_001035957.1, residues 266-286): VWPLQIILLI[Leu276Phe]CPEIIQDISK